The following is an entry in ClinVar:

ClinVar aggregate classification (germline): Uncertain significance (1 of 4 stars; one submission).

Allele frequency attached by ClinVar (database versions not stated): gnomAD exomes 0.00002; ExAC 0.00004; gnomAD 0.00001.
gnomAD v4.1: 33 of 1,612,314 alleles (0.002%); highest among the groups gnomAD compares: South Asian, 0.035%; no homozygotes.

Submission:

Labcorp Genetics (formerly Invitae), Labcorp
Classification: Uncertain significance. Last evaluated: 2025-03-10. Review status: criteria provided, single submitter. Criteria: Invitae Variant Classification Sherloc (09022015). Collection method: clinical testing. Allele origin: germline.
Comment: This sequence change replaces glycine, which is neutral and non-polar, with valine, which is neutral and non-polar, at codon 104 of the TMEM38B protein (p.Gly104Val). This variant is present in population databases (rs775101329, gnomAD 0.03%). This variant has not been reported in the literature in individuals affected with TMEM38B-related conditions. ClinVar contains an entry for this variant (Variation ID: 1958032). An algorithm developed to predict the effect of missense changes on protein structure and function (PolyPhen-2) suggests that this variant is likely to be tolerated. In summary, the available evidence is currently insufficient to determine the role of this variant in disease. Therefore, it has been classified as a Variant of Uncertain Significance.

NM_018112.3(TMEM38B):c.311G>T (p.Gly104Val)

Gene: TMEM38B (transmembrane protein 38B; plus strand). Cytogenetic location: 9q31.2.
Variant type: single nucleotide variant.
Coding change: c.311G>T on transcript NM_018112.3 (MANE Select); coding-DNA position 311, G replaced by T.
Protein change: p.Gly104Val; replaces glycine 104 with valine.
Molecular consequence: missense variant.
Genome position (GRCh38, 1-based): chr9:105,721,578, G>T. VCF-style: chr9-105721578-G-T. GRCh37 (hg19) VCF-style: chr9-108483859-G-T.
Other names: short protein forms G104V.
Identifiers: ClinVar variation 1958032 (VCV001958032.5), dbSNP rs775101329, ClinGen allele CA5170842.
Genomic context (GRCh38, chr9:105,721,578, plus strand): 5'-GTTTACATTTCATTTTCAGGTATATTACATTTTTTTGCCCGCATGACCTAGTTTCCCAGG[G>T]CTATTCATATCTACCTGTTCAACTACTGGCTTCGGGAATGAAGGAAGTGACCAGAACTTG-3'
Protein context (NP_060582.1, residues 94-114): FFCPHDLVSQ[Gly104Val]YSYLPVQLLA